The following is an entry in ClinVar:

NM_014159.7(SETD2):c.4546T>C (p.Cys1516Arg)

Gene: SETD2 (SET domain containing 2, histone lysine methyltransferase; minus strand). Cytogenetic location: 3p21.31.
Variant type: single nucleotide variant.
Coding change: c.4546T>C on transcript NM_014159.7 (MANE Select); coding-DNA position 4546, T replaced by C.
Protein change: p.Cys1516Arg; replaces cysteine 1516 with arginine.
Molecular consequence: missense variant. On other transcripts: non-coding transcript variant (1).
Genome position (GRCh38, 1-based): chr3:47,116,663, A>G on the plus strand (T>C on the coding strand, the complement: SETD2 is on the minus strand). VCF-style: chr3-47116663-A-G. GRCh37 (hg19) VCF-style: chr3-47158153-A-G.
Other names: c.4414T>C, p.Cys1472Arg (NM_001349370.3); short protein forms C1472R, C1516R.
Identifiers: ClinVar variation 3252389 (VCV003252389.1), dbSNP rs2107728194.

ClinVar aggregate classification (germline): Uncertain significance (1 of 4 stars; one submission).

Submission:

GeneDx
Classification: Uncertain significance. Last evaluated: 2023-12-07. Review status: criteria provided, single submitter. Criteria: GeneDx Variant Classification Process June 2021. Collection method: clinical testing. Allele origin: germline. Affected: yes.
Comment: Not observed at significant frequency in large population cohorts (gnomAD); In silico analysis supports that this missense variant has a deleterious effect on protein structure/function; Has not been previously published as pathogenic or benign to our knowledge